The following is an entry in ClinVar:

NM_000108.5(DLD):c.3G>A (p.Met1Ile)

Gene: DLD (dihydrolipoamide dehydrogenase; plus strand). Cytogenetic location: 7q31.1.
Variant type: single nucleotide variant.
Coding change: c.3G>A on transcript NM_000108.5 (MANE Select); coding-DNA position 3, G replaced by A.
Protein change: p.Met1Ile; changes the start codon (methionine 1).
Molecular consequence: missense variant, initiator codon variant. On other transcripts: 5 prime UTR variant (1).
Genome position (GRCh38, 1-based): chr7:107,891,253, G>A. VCF-style: chr7-107891253-G-A. GRCh37 (hg19) VCF-style: chr7-107531698-G-A.
Other names: c.-146G>A (NM_001289750.1); c.3G>A, p.Met1Ile (NM_001289751.1, NM_001289752.1); short protein forms M1I.
Identifiers: ClinVar variation 2865401 (VCV002865401.3), dbSNP rs2535557666, ClinGen allele CA368852294.

ClinVar aggregate classification (germline): Pathogenic (1 of 4 stars; one submission).

Conditions:
Pyruvate dehydrogenase E3 deficiency (DLDD). Also called: MAPLE SYRUP URINE DISEASE, TYPE III; Dihydrolipoamide Dehydrogenase (E3) Deficiency; DLD DEFICIENCY; E3 DEFICIENCY; Dihydrolipoamide Dehydrogenase Deficiency; Dihydrolipoamide Dehydrogenase E3 Deficiency. Identifiers: Orphanet 2394, Orphanet 765, MedGen C5574660, MONDO:0009529, OMIM 246900.

Submission:

Labcorp Genetics (formerly Invitae), Labcorp
Classification: Pathogenic for Pyruvate dehydrogenase E3 deficiency. Last evaluated: 2023-05-18. Review status: criteria provided, single submitter. Criteria: Invitae Variant Classification Sherloc (09022015). Collection method: clinical testing. Allele origin: germline.
Comment: This sequence change affects the initiator methionine of the DLD mRNA. The next in-frame methionine is located at codon 100. This variant is not present in population databases (gnomAD no frequency). This variant has not been reported in the literature in individuals affected with DLD-related conditions. This variant disrupts a region of the DLD protein in which other variant(s) (p.Ile47Thr) have been determined to be pathogenic (PMID: 16770810). This suggests that this is a clinically significant region of the protein, and that variants that disrupt it are likely to be disease-causing. For these reasons, this variant has been classified as Pathogenic.

Literature cited by the submitters: PubMed 16770810.